The following is an entry in ClinVar:

NM_001267550.2(TTN):c.51136+1del

Genes: TTN-AS1 (TTN antisense RNA 1; plus strand), TTN (titin; minus strand). Cytogenetic location: 2q31.2.
Variant type: Deletion.
Coding change: c.51136+1del on transcript NM_001267550.2 (MANE Select); the canonical splice donor site of the intron after coding-DNA position 51136, one base deleted (G; older notation c.51136+1delG).
Molecular consequence: splice donor variant.
Genome position (GRCh38, 1-based): chr2:178,610,992, C deleted on the plus strand (G on the coding strand, the reverse complement: TTN is on the minus strand); the first of 2 consecutive C bases (chr2:178,610,992-178,610,993); deleting either gives the same sequence. VCF-style (leftmost placement, unchanged base first): chr2-178610991-AC-A. GRCh37 (hg19) VCF-style: chr2-179475718-AC-A.
Other names: c.23941+1del (NM_003319.4); c.24517+1del (NM_133437.4); c.24316+1del (NM_133432.3); c.43432+1del (NM_133378.4); c.46213+1del (NM_001256850.1).
Identifiers: ClinVar variation 1065929 (VCV001065929.9), dbSNP rs2154199433, ClinGen allele CA2499215431.
Genomic context (GRCh38, chr2:178,610,991, plus strand): 5'-CAAAGTTAACTAATTTCCTCTACATGTGAAGAATGTCTGGTTTTTCTTCAAAGAATGATT[AC>A]CTATGACTTTGACATTGATTGAGGCTGTTGCTGAGCCGAGCTTATTCTCCAGTGTAATGG-3'

ClinVar aggregate classification (germline): Likely pathogenic (1 of 4 stars; one submission).

Conditions:
Dilated cardiomyopathy 1G (CMD1G). Identifiers: Orphanet 154, MedGen C1858763, MONDO:0011400, OMIM 604145.
Autosomal recessive limb-girdle muscular dystrophy type 2J (LGMDR10). Also called: Limb-girdle muscular dystrophy, type 2J; MUSCULAR DYSTROPHY, LIMB-GIRDLE, AUTOSOMAL RECESSIVE 10. Identifiers: Orphanet 140922, MedGen C1837342, MONDO:0012127, OMIM 608807.

Submission:

Labcorp Genetics (formerly Invitae), Labcorp
Classification: Likely pathogenic for Dilated cardiomyopathy 1G; Autosomal recessive limb-girdle muscular dystrophy type 2J. Last evaluated: 2020-09-16. Review status: criteria provided, single submitter. Criteria: Invitae Variant Classification Sherloc (09022015). Collection method: clinical testing. Allele origin: germline.
Comment: In summary, the currently available evidence indicates that the variant is pathogenic, but additional data are needed to prove that conclusively. Therefore, this variant has been classified as Likely Pathogenic. This variant is located in the A band of TTN (PMID: 25589632). Truncating variants in this region are significantly overrepresented in patients affected with dilated cardiomyopathy (PMID: 25589632). Truncating variants in this region have also been reported in individuals affected with autosomal recessive centronuclear myopathy (PMID: 23975875). This variant has not been reported in the literature in individuals with TTN-related conditions. This variant is also known as c.51136+1del. This variant is not present in population databases (ExAC no frequency). This sequence change results in a premature translational stop signal in the TTN gene (p.Gly17046Alafs*21). While this is not anticipated to result in nonsense mediated decay, it is expected to create a truncated TTN protein.

Literature cited by the submitters: PubMed 25589632; PubMed 23975875.